The following is an entry in ClinVar:

NM_000051.4(ATM):c.148A>C (p.Lys50Gln)

Gene: ATM (ATM serine/threonine kinase; plus strand). Cytogenetic location: 11q22.3.
Variant type: single nucleotide variant.
Coding change: c.148A>C on transcript NM_000051.4 (MANE Select); coding-DNA position 148, A replaced by C.
Protein change: p.Lys50Gln; replaces lysine 50 with glutamine.
Molecular consequence: missense variant.
Genome position (GRCh38, 1-based): chr11:108,227,851, A>C. VCF-style: chr11-108227851-A-C. GRCh37 (hg19) VCF-style: chr11-108098578-A-C.
Other names: c.148A>C, p.Lys50Gln (NM_001351834.2, NM_001351835.2, NM_001351836.2); short protein forms K50Q.
Identifiers: ClinVar variation 819358 (VCV000819358.4), dbSNP rs1591447239, ClinGen allele CA382520172.

ClinVar aggregate classification (germline): Uncertain significance (1 of 4 stars; one submission).

Conditions:
Hereditary cancer-predisposing syndrome. Also called: Tumor predisposition; Hereditary neoplastic syndrome; Neoplastic Syndromes, Hereditary; Hereditary Cancer Syndrome. Identifiers: Orphanet 140162, MedGen C0027672, MeSH D009386, MONDO:0015356.

Submission:

Ambry Genetics
Classification: Uncertain significance for Hereditary cancer-predisposing syndrome. Last evaluated: 2019-09-05. Review status: criteria provided, single submitter. Criteria: Ambry Variant Classification Scheme 2023. Collection method: clinical testing. Allele origin: germline.
Comment: The p.K50Q variant (also known as c.148A>C), located in coding exon 2 of the ATM gene, results from an A to C substitution at nucleotide position 148. The lysine at codon 50 is replaced by glutamine, an amino acid with similar properties. This amino acid position is well conserved in available vertebrate species. In addition, this alteration is predicted to be tolerated by in silico analysis. Since supporting evidence is limited at this time, the clinical significance of this alteration remains unclear.